The following is an entry in ClinVar:

ClinVar aggregate classification (germline): Pathogenic/Likely pathogenic. Review status: criteria provided, multiple submitters, no conflicts (2 of 4 stars). 3 submissions from 3 submitters: Pathogenic (2); Likely pathogenic (1). Last evaluated 2024-09-17.

Conditions:
Deficiency of steroid 17-alpha-monooxygenase. Also called: 17-ALPHA-HYDROXYLASE DEFICIENCY; 17-alpha-hydroxylase/17,20-lyase deficiency; Congenital adrenal hyperplasia due to 17-alpha-hydroxylase deficiency; Congenital adrenal hyperplasia type 5; ADRENAL HYPERPLASIA V. Identifiers: Orphanet 90793, MedGen C0268285, MONDO:0008730, OMIM 202110.
Congenital adrenal hyperplasia. Identifiers: Orphanet 418, MedGen C0001627, MONDO:0018479, HP:0008258.

Allele frequency attached by ClinVar (database versions not stated): TOPMed 0.00001.

Submissions (3):

Natera, Inc.
Classification: Likely pathogenic for Deficiency of steroid 17-alpha-monooxygenase. Last evaluated: 2024-09-17. Review status: criteria provided, single submitter. Criteria: Natera Variant Classification Schema (03/2026). Collection method: clinical testing. Allele origin: germline.
Comment: The c.1318C>T variant in CYP17A1 is a missense variant predicted to cause substitution of arginine to cysteine at amino acid 440. This variant is rare in the general population with a frequency below the threshold expected for the associated phenotype(s). This variant has been observed in one or more individuals affected with the associated recessive disease, as either homozygous or compound heterozygous with a second variant (PMID: 16176874, 19454579). Functional studies show that this variant may disrupt protein function (PMID: 16176874). A different variant at the same position has been determined to be Pathogenic or Likely Pathogenic. Computational prediction algorithms indicate this variant is likely to affect gene or protein function. Given the available evidence, this variant is classified as Likely Pathogenic.

Women's Health and Genetics/Laboratory Corporation of America, LabCorp
Classification: Pathogenic for Congenital adrenal hyperplasia. Last evaluated: 2024-05-29. Review status: criteria provided, single submitter. Criteria: LabCorp Variant Classification Summary - May 2015. Collection method: clinical testing. Allele origin: germline.
Comment: Variant summary: CYP17A1 c.1318C>T (p.Arg440Cys) results in a non-conservative amino acid change in the encoded protein sequence. Five of five in-silico tools predict a damaging effect of the variant on protein function. The variant allele was found at a frequency of 1.5e-05 in 198808 control chromosomes (gnomAD). c.1318C>T has been reported in the literature in individuals affected with Congenital Adrenal Hyperplasia or differences in sex development (Patocs_2005, Miclea_2021). These data indicate that the variant is likely to be associated with disease. A different variant affecting the same codon has been classified as pathogenic by our lab (c.1319G>A, p.Arg440His), supporting the critical relevance of codon 440 to CYP17A1 protein function. At least two publications report experimental evidence evaluating an impact on protein function. The most pronounced variant effect results in <10% of normal activity (Patocs_2005, DeVore_2012). The following publications have been ascertained in the context of this evaluation (PMID: 22266943, 34829455, 16176874). ClinVar contains an entry for this variant (Variation ID: 2681119). Based on the evidence outlined above, the variant was classified as pathogenic.

Labcorp Genetics (formerly Invitae), Labcorp
Classification: Pathogenic. Last evaluated: 2023-11-20. Review status: criteria provided, single submitter. Criteria: Invitae Variant Classification Sherloc (09022015). Collection method: clinical testing. Allele origin: germline.
Comment: This sequence change replaces arginine, which is basic and polar, with cysteine, which is neutral and slightly polar, at codon 440 of the CYP17A1 protein (p.Arg440Cys). This variant is present in population databases (no rsID available, gnomAD 0.007%). This missense change has been observed in individual(s) with congenital adrenal hyperplasia (PMID: 19454579, 34829455). An algorithm developed to predict the effect of missense changes on protein structure and function (PolyPhen-2) suggests that this variant is likely to be disruptive. Experimental studies have shown that this missense change affects CYP17A1 function (PMID: 22266943). This variant disrupts the p.Arg440 amino acid residue in CYP17A1. Other variant(s) that disrupt this residue have been determined to be pathogenic (PMID: 8027220, 20197673). This suggests that this residue is clinically significant, and that variants that disrupt this residue are likely to be disease-causing. For these reasons, this variant has been classified as Pathogenic.

Literature cited by the submitters: PubMed 16176874 (cited by Natera, Inc. and Women's Health and Genetics/Laboratory Corporation of America, LabCorp); PubMed 19454579 (cited by Natera, Inc. and Labcorp Genetics (formerly Invitae), Labcorp); PubMed 22266943 (cited by Women's Health and Genetics/Laboratory Corporation of America, LabCorp and Labcorp Genetics (formerly Invitae), Labcorp); PubMed 34829455 (cited by Women's Health and Genetics/Laboratory Corporation of America, LabCorp and Labcorp Genetics (formerly Invitae), Labcorp); PubMed 8027220 (cited by Labcorp Genetics (formerly Invitae), Labcorp); PubMed 20197673 (cited by Labcorp Genetics (formerly Invitae), Labcorp).

NM_000102.4(CYP17A1):c.1318C>T (p.Arg440Cys)

Gene: CYP17A1 (cytochrome P450 family 17 subfamily A member 1; minus strand). Cytogenetic location: 10q24.32.
Variant type: single nucleotide variant.
Coding change: c.1318C>T on transcript NM_000102.4 (MANE Select); coding-DNA position 1318, C replaced by T.
Protein change: p.Arg440Cys; replaces arginine 440 with cysteine.
Molecular consequence: missense variant.
Genome position (GRCh38, 1-based): chr10:102,830,911, G>A on the plus strand (C>T on the coding strand, the complement: CYP17A1 is on the minus strand). VCF-style: chr10-102830911-G-A. GRCh37 (hg19) VCF-style: chr10-104590668-G-A.
Other names: c.1318C>T (NM_000102.3); short protein forms R440C.
Identifiers: ClinVar variation 2681119 (VCV002681119.8), dbSNP rs868228603, ClinGen allele CA377938232.